The following is an entry in ClinVar:

ClinVar aggregate classification (germline): Uncertain significance (1 of 4 stars; one submission).

Conditions:
Cholestasis-pigmentary retinopathy-cleft palate syndrome (HDKR). Also called: Hardikar Syndrome (HS). Identifiers: Orphanet 1415, MedGen C0795969, MeSH C535632, MONDO:0012997, OMIM 301068.
Blepharophimosis - intellectual disability syndrome, MKB type. Also called: BLEPHAROPHIMOSIS-MENTAL RETARDATION SYNDROME, MAAT-KIEVIT-BRUNNER TYPE; Ohdo syndrome, X-linked; X-Linked Ohdo Syndrome (XLOS). Identifiers: Orphanet 293707, MedGen C3698541, MONDO:0010477, OMIM 300895.
FG syndrome 1 (OKS). Also called: OPITZ-KAVEGGIA SYNDROME; KELLER SYNDROME; MENTAL RETARDATION, LARGE HEAD, IMPERFORATE ANUS, CONGENITAL HYPOTONIA, AND PARTIAL AGENESIS OF CORPUS CALLOSUM; FG Syndrome Type 1 (FGS1). Identifiers: Orphanet 93932, MedGen C5399762, MONDO:0010590, OMIM 305450.
X-linked intellectual disability with marfanoid habitus. Also called: X-linked mental retardation with marfanoid habitus syndrome; Lujan Syndrome; INTELLECTUAL DEVELOPMENTAL DISORDER, X-LINKED, SYNDROMIC, LUJAN-FRYNS TYPE; Lujan Syndrome (LS). Identifiers: Orphanet 776, MedGen C0796022, MONDO:0010655, OMIM 309520.

gnomAD v4.1: 1 of 1,208,752 alleles (0.000083%); highest among the groups gnomAD compares: Admixed American, 0.0022%; no homozygotes.

Submission:

Juno Genomics, Hangzhou Juno Genomics, Inc
Classification: Uncertain significance for Cholestasis-pigmentary retinopathy-cleft palate syndrome; X-linked intellectual disability with marfanoid habitus; Blepharophimosis - intellectual disability syndrome, MKB type; FG syndrome 1. Review status: criteria provided, single submitter. Criteria: ACMG Guidelines, 2015. Collection method: clinical testing. Allele origin: germline.
Comment: Absent from controls (or at extremely low frequency if recessive) in Genome Aggregation Database.;Multiple lines of computational evidence support a deleterious effect on the gene or gene product.

NM_005120.3(MED12):c.846+28G>A

Gene: MED12 (mediator complex subunit 12; plus strand). Cytogenetic location: Xq13.1.
Variant type: single nucleotide variant.
Coding change: c.846+28G>A on transcript NM_005120.3 (MANE Select); 28 bases into the intron after coding-DNA position 846, G replaced by A.
Molecular consequence: intron variant.
Genome position (GRCh38, 1-based): chrX:71,121,465, G>A. VCF-style: chrX-71121465-G-A. GRCh37 (hg19) VCF-style: chrX-70341315-G-A.
Identifiers: ClinVar variation 5007590 (VCV005007590.2).